The following is an entry in ClinVar:

ClinVar aggregate classification (germline): Uncertain significance (1 of 4 stars; one submission).

Conditions:
Hereditary cancer-predisposing syndrome. Also called: Neoplastic Syndromes, Hereditary; Tumor predisposition; Hereditary Cancer Syndrome; Hereditary neoplastic syndrome. Identifiers: Orphanet 140162, MedGen C0027672, MeSH D009386, MONDO:0015356.

Submission:

Ambry Genetics
Classification: Uncertain significance for Hereditary cancer-predisposing syndrome. Last evaluated: 2025-12-07. Review status: criteria provided, single submitter. Criteria: Ambry Variant Classification Scheme 2023. Collection method: clinical testing. Allele origin: germline.
Comment: The p.E544D variant (also known as c.1632A>T), located in coding exon 14 of the FANCC gene, results from an A to T substitution at nucleotide position 1632. The glutamic acid at codon 544 is replaced by aspartic acid, an amino acid with highly similar properties. This amino acid position is conserved. In addition, this alteration is predicted to be tolerated by in silico analysis. Based on the available evidence, the clinical significance of this variant remains unclear.

NM_000136.3(FANCC):c.1632A>T (p.Glu544Asp)

Genes: AOPEP (aminopeptidase O (putative); plus strand), FANCC (FA complementation group C; minus strand). Cytogenetic location: 9q22.32.
Variant type: single nucleotide variant.
Coding change: c.1632A>T on transcript NM_000136.3 (MANE Select); coding-DNA position 1632, A replaced by T.
Protein change: p.Glu544Asp; replaces glutamic acid 544 with aspartic acid.
Molecular consequence: missense variant.
Genome position (GRCh38, 1-based): chr9:95,101,752, T>A on the plus strand (A>T on the coding strand, the complement: FANCC is on the minus strand). VCF-style: chr9-95101752-T-A. GRCh37 (hg19) VCF-style: chr9-97864034-T-A.
Other names: c.1632A>T, p.Glu544Asp (NM_001243743.2); short protein forms E544D.
Identifiers: ClinVar variation 4641236 (VCV004641236.1).
Genomic context (GRCh38, chr9:95,101,752, plus strand): 5'-CGGCCTGCGTGCCTTCTAGACTTGAGTTCGCAGCTCTTTAAGGAGCTCTCGGGCCAGTTT[T>A]TCTGATCTAGGGCTTTCAATGCCAAGACGATTCCATCTGTACAAGGTCTGGTCAAGAAAG-3'
Protein context (NP_000127.2, residues 534-554): NRLGIESPRS[Glu544Asp]KLARELLKEL